The following is an entry in ClinVar:

NM_194454.3(KRIT1):c.1355_1356del (p.Arg452fs)

Gene: KRIT1 (KRIT1 ankyrin repeat containing; minus strand). Cytogenetic location: 7q21.2.
Variant type: Deletion.
Coding change: c.1355_1356del on transcript NM_194454.3 (MANE Select); coding-DNA positions 1355 to 1356, 2 bases deleted (GT; older notation c.1355_1356delGT).
Protein change: p.Arg452fs; shifts the reading frame from arginine 452.
Molecular consequence: frameshift variant.
Genome position (GRCh38, 1-based): chr7:92,222,877-92,222,878, AC deleted on the plus strand (GT on the coding strand, the reverse complement: KRIT1 is on the minus strand). VCF-style (leftmost placement, unchanged base first): chr7-92222876-GAC-G. GRCh37 (hg19) VCF-style: chr7-91852190-GAC-G.
Other names: c.1211_1212del, p.Arg404fs (NM_001013406.2, NM_001350669.1, NM_001350670.1); c.641_642del, p.Arg214fs (NM_001350671.1); c.1355_1356del, p.Arg452fs (NM_001350672.1, NM_001350673.1, NM_001350674.1 and 26 more transcripts); c.1355_1356delGT (NM_194456.1); short protein forms R214fs, R404fs, R452fs.
Identifiers: ClinVar variation 280152 (VCV000280152.2), dbSNP rs886041415, ClinGen allele CA10603079.

ClinVar aggregate classification (germline): Pathogenic (1 of 4 stars; one submission).

Submission:

GeneDx
Classification: Pathogenic. Last evaluated: 2015-12-09. Review status: criteria provided, single submitter. Criteria: GeneDx Variant Classification (06012015). Collection method: clinical testing. Allele origin: germline. Affected: yes.
Comment: The c.1355_1356delGT pathogenic variant in the KRIT1 gene causes a frameshift starting with codon Arginine 452, changes this amino acid to a Proline residue and creates a premature stop codon at position 27 of the new reading frame, denoted p.Arg452ProfsX27. This variant is predicted to cause loss of normal protein function either through protein truncation or nonsense-mediated mRNA decay. Although this variant has not been previously reported to our knowledge, we interpret c.1355_1356delGT as a pathogenic variant.